The following is an entry in ClinVar:

ClinVar aggregate classification (germline): Benign. Review status: criteria provided, multiple submitters, no conflicts (2 of 4 stars). 3 submissions from 3 submitters: Benign (2). 1 of the submissions does not count toward it. Last evaluated 2018-08-07.

Conditions:
CYP1A1-related disorder. Also called: CYP1A1-related condition.

Allele frequency attached by ClinVar (database versions not stated): 1000 Genomes Project 0.00100; 1000 Genomes Project 30x 0.00109; ESP Exome Variant Server 0.00485; TOPMed 0.00486.
gnomAD v4.1: 11,328 of 1,614,134 alleles (0.7%); highest among the groups gnomAD compares: Non-Finnish European, 0.9%; 53 homozygotes.

Submissions (3):

Labcorp Genetics (formerly Invitae), Labcorp
Classification: Benign. Last evaluated: 2018-08-07. Review status: criteria provided, single submitter. Criteria: Invitae Variant Classification Sherloc (09022015). Collection method: clinical testing. Allele origin: germline.

Breakthrough Genomics
Classification: Benign. Review status: criteria provided, single submitter. Criteria: ACMG Guidelines, 2015. Collection method: not provided. Allele origin: germline. Inheritance: Unknown mechanism. Affected: yes.

PreventionGenetics, part of Exact Sciences
Classification: Benign for CYP1A1-related condition. Last evaluated: 2019-09-10. Review status: no assertion criteria provided. Collection method: clinical testing. Allele origin: germline. Not counted in ClinVar's aggregate classification.
Comment: This variant is classified as benign based on ACMG/AMP sequence variant interpretation guidelines (Richards et al. 2015 PMID: 25741868, with internal and published modifications).

NM_001319217.2(CYP1A1):c.1390C>A (p.Arg464Ser)

Gene: CYP1A1 (cytochrome P450 family 1 subfamily A member 1; minus strand). Cytogenetic location: 15q24.1.
Variant type: single nucleotide variant.
Coding change: c.1390C>A on transcript NM_001319217.2 (MANE Select); coding-DNA position 1390, C replaced by A.
Protein change: p.Arg464Ser; replaces arginine 464 with serine.
Molecular consequence: missense variant.
Genome position (GRCh38, 1-based): chr15:74,720,638, G>T on the plus strand (C>A on the coding strand, the complement: CYP1A1 is on the minus strand). VCF-style: chr15-74720638-G-T. GRCh37 (hg19) VCF-style: chr15-75012979-G-T.
Other names: c.1390C>A, p.Arg464Ser (NM_000499.5); c.1303C>A, p.Arg435Ser (NM_001319216.2); c.1390C>A (NM_001319217.1); short protein forms R435S, R464S.
Identifiers: ClinVar variation 717748 (VCV000717748.6), dbSNP rs41279188, ClinGen allele CA7659235.
Genomic context (GRCh38, chr15:74,720,638, plus strand): 5'-GTGGCACGCTGAATTCCACCCGTTGCAGCAGGATAGCCAGGAAGAGAAAGACCTCCCAGC[G>T]GGCAATGGTCTCACCGATACACTTCCGCTTGCCCATGCCAAAGATAATCACCTTCTCACT-3'
Protein context (NP_001306146.1, residues 454-474): KRKCIGETIA[Arg464Ser]WEVFLFLAIL